The following is an entry in ClinVar:

ClinVar aggregate classification (germline): Uncertain significance (1 of 4 stars; one submission).

Conditions:
EGFR-related lung cancer (EGFR). Identifiers: MedGen CN130014.

Submission:

Labcorp Genetics (formerly Invitae), Labcorp
Classification: Uncertain significance for EGFR-related lung cancer. Last evaluated: 2023-09-11. Review status: criteria provided, single submitter. Criteria: Invitae Variant Classification Sherloc (09022015). Collection method: clinical testing. Allele origin: germline.
Comment: This sequence change replaces methionine, which is neutral and non-polar, with leucine, which is neutral and non-polar, at codon 1007 of the EGFR protein (p.Met1007Leu). This variant is not present in population databases (gnomAD no frequency). This variant has not been reported in the literature in individuals affected with EGFR-related conditions. An algorithm developed to predict the effect of missense changes on protein structure and function (PolyPhen-2) suggests that this variant is likely to be tolerated. In summary, the available evidence is currently insufficient to determine the role of this variant in disease. Therefore, it has been classified as a Variant of Uncertain Significance.

NM_005228.5(EGFR):c.3019A>T (p.Met1007Leu)

Gene: EGFR (epidermal growth factor receptor; plus strand). Cytogenetic location: 7p11.2.
Variant type: single nucleotide variant.
Coding change: c.3019A>T on transcript NM_005228.5 (MANE Select); coding-DNA position 3019, A replaced by T.
Protein change: p.Met1007Leu; replaces methionine 1007 with leucine.
Molecular consequence: missense variant.
Genome position (GRCh38, 1-based): chr7:55,201,260, A>T. VCF-style: chr7-55201260-A-T. GRCh37 (hg19) VCF-style: chr7-55268953-A-T.
Other names: c.2884A>T, p.Met962Leu (NM_001346897.2, NM_001346899.2); c.3019A>T, p.Met1007Leu (NM_001346898.2); c.2860A>T, p.Met954Leu (NM_001346900.2); c.2218A>T, p.Met740Leu (NM_001346941.2); short protein forms M1007L, M954L, M962L, M740L.
Identifiers: ClinVar variation 2757412 (VCV002757412.3), dbSNP rs1787834992, ClinGen allele CA367582492.
Genomic context (GRCh38, chr7:55,201,260, plus strand): 5'-ATGCATTTGCCAAGTCCTACAGACTCCAACTTCTACCGTGCCCTGATGGATGAAGAAGAC[A>T]TGGACGACGTGGTGGATGCCGACGAGTACCTCATCCCACAGCAGGGCTTCTTCAGCAGCC-3'
Protein context (NP_005219.2, residues 997-1017): FYRALMDEED[Met1007Leu]DDVVDADEYL